The following is an entry in ClinVar:

NM_033022.4(RPS24):c.-23C>T

Genes: RPS24 (ribosomal protein S24; plus strand), LOC130004144 (ATAC-STARR-seq lymphoblastoid active region 3613; plus strand). Cytogenetic location: 10q22.3.
Variant type: single nucleotide variant.
Coding change: c.-23C>T on transcript NM_033022.4 (MANE Select); 23 bases upstream of the start codon, C replaced by T.
Molecular consequence: 5 prime UTR variant.
Genome position (GRCh38, 1-based): chr10:78,033,879, C>T. VCF-style: chr10-78033879-C-T. GRCh37 (hg19) VCF-style: chr10-79793637-C-T.
Other names: c.-23C>T (NM_001026.5, NM_001142282.2, NM_001142283.2 and 2 more transcripts).
Identifiers: ClinVar variation 877454 (VCV000877454.4), dbSNP rs766457744, ClinGen allele CA5571858.

ClinVar aggregate classification (germline): Likely benign (1 of 4 stars; one submission).

Conditions:
Diamond-Blackfan anemia 3 (DBA3). Also called: RPS24-Related Diamond-Blackfan Anemia. Identifiers: Orphanet 124, MedGen C1857719, MONDO:0012529, OMIM 610629.

Allele frequency attached by ClinVar (database versions not stated): gnomAD exomes 0.00001 and 0.00002; TOPMed 0.00001; ExAC 0.00004.
gnomAD v4.1: 11 of 1,614,054 alleles (0.00068%); highest among the groups gnomAD compares: South Asian, 0.0055%; no homozygotes.

Submission:

Illumina Laboratory Services, Illumina
Classification: Likely benign for Diamond-Blackfan anemia 3. Last evaluated: 2018-01-13. Review status: criteria provided, single submitter. Criteria: ICSL Variant Classification Criteria 13 December 2019. Collection method: clinical testing. Allele origin: germline.
Comment: This variant was observed in the ICSL laboratory as part of a predisposition screen in an ostensibly healthy population. It had not been previously curated by ICSL or reported in the Human Gene Mutation Database (HGMD: prior to June 1st, 2018), and was therefore a candidate for classification through an automated scoring system. Utilizing variant allele frequency, disease prevalence and penetrance estimates, and inheritance mode, an automated score was calculated to assess if this variant is too frequent to cause the disease. Based on the score and internal cut-off values, a variant classified as likely benign is not then subjected to further curation. The score for this variant resulted in a classification of likely benign for this disease.